The following is an entry in ClinVar:

NM_001242896.3(DEPDC5):c.3852C>A (p.Asp1284Glu)

Gene: DEPDC5 (DEP domain containing 5, GATOR1 subcomplex subunit; plus strand). Cytogenetic location: 22q12.3.
Variant type: single nucleotide variant.
Coding change: c.3852C>A on transcript NM_001242896.3 (MANE Select); coding-DNA position 3852, C replaced by A.
Protein change: p.Asp1284Glu; replaces aspartic acid 1284 with glutamic acid.
Molecular consequence: missense variant. On other transcripts: non-coding transcript variant (5).
Genome position (GRCh38, 1-based): chr22:31,879,571, C>A. VCF-style: chr22-31879571-C-A. GRCh37 (hg19) VCF-style: chr22-32275557-C-A.
Other names: c.3825C>A, p.Asp1275Glu (NM_001136029.4); c.3552C>A, p.Asp1184Glu (NM_001242897.2); c.3786C>A, p.Asp1262Glu (NM_001363852.2, NM_001364320.2); c.3618C>A, p.Asp1206Glu (NM_001363854.2, NM_001364319.2); c.3852C>A, p.Asp1284Glu (NM_001364318.2); c.3768C>A, p.Asp1256Glu (NM_001369901.1, NM_001369902.1); c.3759C>A, p.Asp1253Glu (NM_001369903.1, NM_014662.6); short protein forms D1184E, D1284E, D1253E, D1206E, D1256E, D1275E, D1262E.
Identifiers: ClinVar variation 576210 (VCV000576210.10), dbSNP rs773340826, ClinGen allele CA411281879.

ClinVar aggregate classification (germline): Uncertain significance (1 of 4 stars; one submission).

Conditions:
Familial focal epilepsy with variable foci (FPEVF). Identifiers: Orphanet 98820, MedGen C1858477, MONDO:0020310.

Allele frequency attached by ClinVar (database versions not stated): TOPMed 0.00001.
gnomAD v4.1: 12 of 1,612,872 alleles (0.00074%); highest among the groups gnomAD compares: Non-Finnish European, 0.00093%; no homozygotes.

Submission:

Labcorp Genetics (formerly Invitae), Labcorp
Classification: Uncertain significance for Familial focal epilepsy with variable foci. Last evaluated: 2018-04-24. Review status: criteria provided, single submitter. Criteria: Invitae Variant Classification Sherloc (09022015). Collection method: clinical testing. Allele origin: germline.
Comment: Algorithms developed to predict the effect of missense changes on protein structure and function output the following: SIFT: "Tolerated"; Align-GVGD: "Class C0". The glutamic acid amino acid residue is found in multiple mammalian species, suggesting that this missense change does not adversely affect protein function. These predictions have not been confirmed by published functional studies and their clinical significance is uncertain. In summary, the available evidence is currently insufficient to determine the role of this variant in disease. Therefore, it has been classified as a Variant of Uncertain Significance. This variant has not been reported in the literature in individuals with DEPDC5-related disease. This variant is not present in population databases (ExAC no frequency). This sequence change replaces aspartic acid with glutamic acid at codon 1284 of the DEPDC5 protein (p.Asp1284Glu). The aspartic acid residue is moderately conserved and there is a small physicochemical difference between aspartic acid and glutamic acid.